The following is an entry in ClinVar:

ClinVar aggregate classification (germline): Uncertain significance. Review status: criteria provided, multiple submitters, no conflicts (2 of 4 stars). 2 submissions from 2 submitters: Uncertain significance (2). Last evaluated 2025-06-24.

Conditions:
Familial cold autoinflammatory syndrome 2 (FCAS2). Identifiers: Orphanet 247868, MedGen C2673198, MONDO:0012724, OMIM 611762.

Allele frequency attached by ClinVar (database versions not stated): ExAC 0.00001.

Submissions (2):

ARUP Laboratories, Molecular Genetics and Genomics, ARUP Laboratories
Classification: Uncertain significance for Familial cold autoinflammatory syndrome 2. Last evaluated: 2025-06-24. Review status: criteria provided, single submitter. Criteria: ARUP Molecular Germline Variant Investigation Process 2024. Collection method: clinical testing. Allele origin: germline.
Comment: The NLRP12 c.2756+3G>A variant (rs748224269), to our knowledge, is not reported in the medical literature, but is reported in ClinVar (Variation ID: 2707858). This variant is only observed on one allele in the Genome Aggregation Database (v2.1.1), indicating it is not a common polymorphism. This is an intronic variant and computational analyses (Alamut Visual Plus v.1.12) predict that this variant does not alter splicing. However, since this variant is located within the minimal splice region, the clinical significance of this variant is uncertain at this time.

Labcorp Genetics (formerly Invitae), Labcorp
Classification: Uncertain significance for Familial cold autoinflammatory syndrome 2. Last evaluated: 2024-01-12. Review status: criteria provided, single submitter. Criteria: Invitae Variant Classification Sherloc (09022015). Collection method: clinical testing. Allele origin: germline.
Comment: This sequence change falls in intron 7 of the NLRP12 gene. It does not directly change the encoded amino acid sequence of the NLRP12 protein. It affects a nucleotide within the consensus splice site. This variant is present in population databases (rs748224269, gnomAD no frequency). This variant has not been reported in the literature in individuals affected with NLRP12-related conditions. Variants that disrupt the consensus splice site are a relatively common cause of aberrant splicing (PMID: 17576681, 9536098). Algorithms developed to predict the effect of sequence changes on RNA splicing suggest that this variant is not likely to affect RNA splicing. In summary, the available evidence is currently insufficient to determine the role of this variant in disease. Therefore, it has been classified as a Variant of Uncertain Significance.

Literature cited by the submitters: PubMed 17576681 (cited by Labcorp Genetics (formerly Invitae), Labcorp); PubMed 9536098 (cited by Labcorp Genetics (formerly Invitae), Labcorp).

NM_144687.4(NLRP12):c.2756+3G>A

Gene: NLRP12 (NLR family pyrin domain containing 12; minus strand). Cytogenetic location: 19q13.42.
Variant type: single nucleotide variant.
Coding change: c.2756+3G>A on transcript NM_144687.4 (MANE Select); 3 bases into the intron after coding-DNA position 2756, G replaced by A.
Molecular consequence: intron variant.
Genome position (GRCh38, 1-based): chr19:53,801,224, C>T on the plus strand (G>A on the coding strand, the complement: NLRP12 is on the minus strand). VCF-style: chr19-53801224-C-T. GRCh37 (hg19) VCF-style: chr19-54304478-C-T.
Other names: c.2756+3G>A (NM_001277129.1); c.2759+3G>A (NM_001277126.2).
Identifiers: ClinVar variation 2707858 (VCV002707858.4), dbSNP rs748224269, ClinGen allele CA9638937.